The following is an entry in ClinVar:

ClinVar aggregate classification (germline): Likely benign. Review status: criteria provided, multiple submitters, no conflicts (2 of 4 stars). 2 submissions from 2 submitters: Likely benign (2). Last evaluated 2026-06-26.

Conditions:
Sessile serrated polyposis cancer syndrome (SSPCS). Identifiers: Orphanet 157798, MedGen C4310714, MONDO:0014919, OMIM 617108.

Allele frequency attached by ClinVar (database versions not stated): gnomAD exomes below 0.00001; TOPMed below 0.00001.

Submissions (2):

Myriad Genetics, Inc.
Classification: Likely benign for Sessile serrated polyposis cancer syndrome. Last evaluated: 2026-06-26. Review status: criteria provided, single submitter. Criteria: Myriad Autosomal Dominant, Autosomal Recessive and X-Linked Classification Criteria (2023). Collection method: clinical testing. Allele origin: unknown.
Comment: This variant is considered likely benign. This variant is intronic and is not expected to impact mRNA splicing.

Labcorp Genetics (formerly Invitae), Labcorp
Classification: Likely benign. Last evaluated: 2024-03-05. Review status: criteria provided, single submitter. Criteria: Invitae Variant Classification Sherloc (09022015). Collection method: clinical testing. Allele origin: germline.

NM_017763.6(RNF43):c.253-9dup

Gene: RNF43 (ring finger protein 43; minus strand). Cytogenetic location: 17q22.
Variant type: Duplication.
Coding change: c.253-9dup on transcript NM_017763.6 (MANE Select); 9 bases into the intron before coding-DNA position 253, one base duplicated (T; older notation c.253-9dupT).
Molecular consequence: intron variant.
Genome position (GRCh38, 1-based): chr17:58,371,042, A duplicated on the plus strand (T on the coding strand, the reverse complement: RNF43 is on the minus strand). VCF-style (leftmost placement, unchanged base first): chr17-58371041-G-GA. GRCh37 (hg19) VCF-style: chr17-56448402-G-GA.
Other names: c.253-9dup (NM_001438822.1, NM_001305544.3, NM_001438820.1 and 1 more transcripts); c.-129-9dup (NM_001305545.2, NM_001437987.1).
Identifiers: ClinVar variation 2893180 (VCV002893180.4), dbSNP rs1973085013, ClinGen allele CA2267675287.